The following is an entry in ClinVar:

ClinVar aggregate classification (germline): Likely benign (1 of 4 stars; one submission).

gnomAD v4.1: 1,333 of 1,614,066 alleles (0.083%); highest among the groups gnomAD compares: Non-Finnish European, 0.11%; 1 homozygote.

Submission:

CeGaT Center for Human Genetics Tuebingen
Classification: Likely benign. Last evaluated: 2025-01-01. Review status: criteria provided, single submitter. Criteria: CeGaT Center For Human Genetics Tuebingen Variant Classification Criteria Version 2. Collection method: clinical testing. Allele origin: germline. Affected: yes. Observed: 1 variant allele.
Comment: MPEG1: BP4, BP7

NM_001039396.2(MPEG1):c.1497C>T (p.Ala499=)

Gene: MPEG1 (macrophage expressed 1; minus strand). Cytogenetic location: 11q12.1.
Variant type: single nucleotide variant.
Coding change: c.1497C>T on transcript NM_001039396.2 (MANE Select); coding-DNA position 1497, C replaced by T.
Protein change: p.Ala499=; no amino-acid change (alanine 499 retained).
Molecular consequence: synonymous variant.
Genome position (GRCh38, 1-based): chr11:59,211,369, G>A on the plus strand (C>T on the coding strand, the complement: MPEG1 is on the minus strand). VCF-style: chr11-59211369-G-A. GRCh37 (hg19) VCF-style: chr11-58978842-G-A.
Identifiers: ClinVar variation 3770752 (VCV003770752.13).